The following is an entry in ClinVar:

NM_001005361.3(DNM2):c.1557+9A>T

Gene: DNM2 (dynamin 2; plus strand). Cytogenetic location: 19p13.2.
Variant type: single nucleotide variant.
Coding change: c.1557+9A>T on transcript NM_001005361.3 (MANE Select); 9 bases into the intron after coding-DNA position 1557, A replaced by T.
Molecular consequence: intron variant.
Genome position (GRCh38, 1-based): chr19:10,808,589, A>T. VCF-style: chr19-10808589-A-T. GRCh37 (hg19) VCF-style: chr19-10919265-A-T.
Other names: c.1557+9A>T (NM_001005360.3, NM_001190716.2); c.1545+2622A>T (NM_004945.4, NM_001005362.3).
Identifiers: ClinVar variation 392706 (VCV000392706.10), dbSNP rs778469445, ClinGen allele CA9201235.

ClinVar aggregate classification (germline): Likely benign. Review status: criteria provided, multiple submitters, no conflicts (2 of 4 stars). 2 submissions from 2 submitters: Likely benign (2). Last evaluated 2020-01-23.

Conditions:
Charcot-Marie-Tooth disease dominant intermediate B (CMTDIB). Also called: CHARCOT-MARIE-TOOTH NEUROPATHY, DOMINANT INTERMEDIATE B; Charcot-Marie-Tooth disease dominant intermediate 1; CMT DI1; Charcot-Marie-Tooth disease dominant intermediate I. Identifiers: Orphanet 100044, Orphanet 228179, MedGen C1847902, MONDO:0011674, OMIM 606482.

Allele frequency attached by ClinVar (database versions not stated): gnomAD exomes below 0.00001 and 0.00001; ExAC 0.00001.
gnomAD v4.1: 3 of 1,612,226 alleles (0.00019%); highest among the groups gnomAD compares: Non-Finnish European, 0.00025%; no homozygotes.

Submissions (2):

Labcorp Genetics (formerly Invitae), Labcorp
Classification: Likely benign for Charcot-Marie-Tooth disease dominant intermediate B. Last evaluated: 2020-01-23. Review status: criteria provided, single submitter. Criteria: Invitae Variant Classification Sherloc (09022015). Collection method: clinical testing. Allele origin: germline.

GeneDx
Classification: Likely benign. Last evaluated: 2017-01-10. Review status: criteria provided, single submitter. Criteria: GeneDx Variant Classification (06012015). Collection method: clinical testing. Allele origin: germline. Affected: yes.
Comment: This variant is considered likely benign or benign based on one or more of the following criteria: it is a conservative change, it occurs at a poorly conserved position in the protein, it is predicted to be benign by multiple in silico algorithms, and/or has population frequency not consistent with disease.